The following is an entry in ClinVar:

ClinVar aggregate classification (germline): Uncertain significance (1 of 4 stars; one submission).

Conditions:
Intellectual developmental disorder, autosomal dominant 41. Also called: Intellectual disability, autosomal dominant 41. Identifiers: Orphanet 2823, MedGen C4310784, MONDO:0014842, OMIM 616944.

Submission:

New York Genome Center
Classification: Uncertain significance for Intellectual developmental disorder, autosomal dominant 41. Last evaluated: 2021-05-28. Review status: criteria provided, single submitter. Criteria: NYGC Assertion Criteria 2020. Collection method: clinical testing. Allele origin: germline. Observed: 1 heterozygote. Study: CSER-NYCKidSeq.
Comment: The heterozygous c.756G>T (p.Trp252Cys) missense variant identified in the TBL1XR1 gene has not been reported in affected individuals in the literature. The variant is absent from gnomAD(v3) database suggesting it is not a common benign variant in the populations represented in that database. The variant affects an evolutionarily conserved residue and is predicted deleterious by multiple in silico prediction tools (CADD score = 27.7, REVEL score = 0.833). Another missense variant affecting the same residue at position 252 has been reported in ClinVar as Likely Pathogenic [p.Trp252Arg, Variation ID: 422081]. Based on the available evidence, the heterozygous c.756G>T (p.Trp252Cys) missense variant identified in the TBL1XR1 gene is reported as a variant of uncertain significance.

NM_024665.7(TBL1XR1):c.756G>T (p.Trp252Cys)

Genes: TBL1XR1 (TBL1X/Y related 1; minus strand), TBL1XR1-AS1 (TBL1XR1 antisense RNA 1; plus strand). Cytogenetic location: 3q26.32.
Variant type: single nucleotide variant.
Coding change: c.756G>T on transcript NM_024665.7 (MANE Select); coding-DNA position 756, G replaced by T.
Protein change: p.Trp252Cys; replaces tryptophan 252 with cysteine.
Molecular consequence: missense variant.
Genome position (GRCh38, 1-based): chr3:177,047,496, C>A on the plus strand (G>T on the coding strand, the complement: TBL1XR1 is on the minus strand). VCF-style: chr3-177047496-C-A. GRCh37 (hg19) VCF-style: chr3-176765284-C-A.
Other names: c.756G>T, p.Trp252Cys (NM_001321193.3, NM_001321194.3, NM_001374327.1 and 2 more transcripts); c.495G>T, p.Trp165Cys (NM_001321195.3, NM_001374330.1); short protein forms W165C, W252C.
Identifiers: ClinVar variation 1679792 (VCV001679792.1), dbSNP rs2108480249, ClinGen allele CA355552242.